The following is an entry in ClinVar:

NM_001144950.2(SSC5D):c.3858T>C (p.Thr1286=)

Gene: SSC5D (scavenger receptor cysteine rich family member with 5 domains; plus strand). Cytogenetic location: 19q13.42.
Variant type: single nucleotide variant.
Coding change: c.3858T>C on transcript NM_001144950.2 (MANE Select); coding-DNA position 3858, T replaced by C.
Protein change: p.Thr1286=; no amino-acid change (threonine 1286 retained).
Molecular consequence: synonymous variant.
Genome position (GRCh38, 1-based): chr19:55,518,134, T>C. VCF-style: chr19-55518134-T-C. GRCh37 (hg19) VCF-style: chr19-56029501-T-C.
Identifiers: ClinVar variation 4280815 (VCV004280815.7).

ClinVar aggregate classification (germline): Likely benign (1 of 4 stars; one submission).

Submission:

CeGaT Center for Human Genetics Tuebingen
Classification: Likely benign. Last evaluated: 2025-09-01. Review status: criteria provided, single submitter. Criteria: CeGaT Center For Human Genetics Tuebingen Variant Classification Criteria Version 2. Collection method: clinical testing. Allele origin: germline. Affected: yes. Observed: 1 variant allele.
Comment: SSC5D: BP4, BP7